The following is an entry in ClinVar:

NM_138295.5(PKD1L1):c.4128C>A (p.Asp1376Glu)

Gene: PKD1L1 (polycystin 1 like 1, transient receptor potential channel interacting; minus strand). Cytogenetic location: 7p12.3.
Variant type: single nucleotide variant.
Coding change: c.4128C>A on transcript NM_138295.5 (MANE Select); coding-DNA position 4128, C replaced by A.
Protein change: p.Asp1376Glu; replaces aspartic acid 1376 with glutamic acid.
Molecular consequence: missense variant.
Genome position (GRCh38, 1-based): chr7:47,865,237, G>T on the plus strand (C>A on the coding strand, the complement: PKD1L1 is on the minus strand). VCF-style: chr7-47865237-G-T. GRCh37 (hg19) VCF-style: chr7-47904835-G-T.
Other names: short protein forms D1376E.
Identifiers: ClinVar variation 2971689 (VCV002971689.1), dbSNP rs1000420822, ClinGen allele CA158087186.
Genomic context (GRCh38, chr7:47,865,237, plus strand): 5'-TAAAATAGGAAAATATTTCTGGGAAAAAATTGCACTTACCTTATTAGAGAAGCTCACGAG[G>T]TCCCTCAACATAAGAACAGAACCAATCATTTCTTCCTGACCAGAAGAAACAACAATAAAA-3'
Protein context (NP_612152.1, residues 1366-1386): EMIGSVLMLR[Asp1376Glu]LVSFSNKLGF

ClinVar aggregate classification (germline): Uncertain significance (1 of 4 stars; one submission).

Allele frequency attached by ClinVar (database versions not stated): gnomAD exomes below 0.00001.
gnomAD v4.1: 6 of 1,613,388 alleles (0.00037%); highest among the groups gnomAD compares: Non-Finnish European, 0.00051%; no homozygotes.

Submission:

Labcorp Genetics (formerly Invitae), Labcorp
Classification: Uncertain significance. Last evaluated: 2023-09-17. Review status: criteria provided, single submitter. Criteria: Invitae Variant Classification Sherloc (09022015). Collection method: clinical testing. Allele origin: germline.
Comment: In summary, the available evidence is currently insufficient to determine the role of this variant in disease. Therefore, it has been classified as a Variant of Uncertain Significance. Advanced modeling of protein sequence and biophysical properties (such as structural, functional, and spatial information, amino acid conservation, physicochemical variation, residue mobility, and thermodynamic stability) performed at Invitae indicates that this missense variant is not expected to disrupt PKD1L1 protein function. This variant has not been reported in the literature in individuals affected with PKD1L1-related conditions. This variant is not present in population databases (gnomAD no frequency). This sequence change replaces aspartic acid, which is acidic and polar, with glutamic acid, which is acidic and polar, at codon 1376 of the PKD1L1 protein (p.Asp1376Glu).